The following is an entry in ClinVar:

NM_015375.3(DSTYK):c.2776G>A (p.Asp926Asn)

Gene: DSTYK (dual serine/threonine and tyrosine protein kinase; minus strand). Cytogenetic location: 1q32.1.
Variant type: single nucleotide variant.
Coding change: c.2776G>A on transcript NM_015375.3 (MANE Select); coding-DNA position 2776, G replaced by A.
Protein change: p.Asp926Asn; replaces aspartic acid 926 with asparagine.
Molecular consequence: missense variant.
Genome position (GRCh38, 1-based): chr1:205,147,572, C>T on the plus strand (G>A on the coding strand, the complement: DSTYK is on the minus strand). VCF-style: chr1-205147572-C-T. GRCh37 (hg19) VCF-style: chr1-205116700-C-T.
Other names: c.2641G>A, p.Asp881Asn (NM_199462.3); short protein forms D881N, D926N.
Identifiers: ClinVar variation 2441040 (VCV002441040.6), dbSNP rs148542303, ClinGen allele CA344386227.
Genomic context (GRCh38, chr1:205,147,572, plus strand): 5'-AGGGGGAAGGAAATAACTAGAGAGTGAAAGAGAAAGGTCTTTGCTTTCAAGTAGAATCAT[C>T]TAGTCCTCTGTTTGGCTGCTCAGAATTGGACTTGCAGAGCCGATTCATGATGCCCTGGAG-3'
Protein context (NP_056190.1, residues 916-929): SNSEQPNRGL[Asp926Asn]DST

ClinVar aggregate classification (germline): Uncertain significance. Review status: criteria provided, multiple submitters, no conflicts (2 of 4 stars). 2 submissions from 2 submitters: Uncertain significance (2). Last evaluated 2023-07-28.

gnomAD v4.1: 3 of 1,610,102 alleles (0.00019%); highest among the groups gnomAD compares: Admixed American, 0.005%; no homozygotes.

Submissions (2):

Revvity Omics, Revvity
Classification: Uncertain significance. Last evaluated: 2023-07-28. Review status: criteria provided, single submitter. Criteria: ACMG Guidelines, 2015. Collection method: clinical testing. Allele origin: germline.

Labcorp Genetics (formerly Invitae), Labcorp
Classification: Uncertain significance. Last evaluated: 2022-11-03. Review status: criteria provided, single submitter. Criteria: Invitae Variant Classification Sherloc (09022015). Collection method: clinical testing. Allele origin: germline.
Comment: In summary, the available evidence is currently insufficient to determine the role of this variant in disease. Therefore, it has been classified as a Variant of Uncertain Significance. Algorithms developed to predict the effect of missense changes on protein structure and function are either unavailable or do not agree on the potential impact of this missense change (SIFT: "Deleterious"; PolyPhen-2: "Benign"; Align-GVGD: "Class C0"). This variant has not been reported in the literature in individuals affected with DSTYK-related conditions. This variant is present in population databases (no rsID available, gnomAD 0.009%). This sequence change replaces aspartic acid, which is acidic and polar, with asparagine, which is neutral and polar, at codon 926 of the DSTYK protein (p.Asp926Asn).